The following is an entry in ClinVar:

NM_145166.4(ZBTB47):c.1246C>T (p.Arg416Ter)

Gene: ZBTB47 (zinc finger and BTB domain containing 47; plus strand). Cytogenetic location: 3p22.1.
Variant type: single nucleotide variant.
Coding change: c.1246C>T on transcript NM_145166.4 (MANE Select); coding-DNA position 1246, C replaced by T.
Protein change: p.Arg416Ter; replaces arginine 416 with a stop codon.
Molecular consequence: nonsense.
Genome position (GRCh38, 1-based): chr3:42,659,601, C>T. VCF-style: chr3-42659601-C-T. GRCh37 (hg19) VCF-style: chr3-42701093-C-T.
Other names: c.1330C>T, p.Arg444Ter (NM_001410746.1); short protein forms R416*, R444*.
Identifiers: ClinVar variation 3392924 (VCV003392924.1).

ClinVar aggregate classification (germline): Uncertain significance (1 of 4 stars; one submission).

gnomAD v4.1: 2 of 1,597,370 alleles (0.00013%); highest among the groups gnomAD compares: East Asian, 0.0023%; no homozygotes.

Submission:

GeneDx
Classification: Uncertain significance. Last evaluated: 2024-06-26. Review status: criteria provided, single submitter. Criteria: GeneDx Variant Classification Process June 2021. Collection method: clinical testing. Allele origin: germline. Affected: yes.
Comment: Not observed at significant frequency in large population cohorts (gnomAD); Has not been previously published as pathogenic or benign to our knowledge; Nonsense variant predicted to result in protein truncation or nonsense mediated decay in a gene for which loss-of-function is not an established mechanism of disease